The following is an entry in ClinVar:

NM_005105.5(RBM8A):c.436G>A (p.Val146Ile)

Gene: RBM8A (RNA binding motif protein 8A; minus strand). Cytogenetic location: 1q21.1.
Variant type: single nucleotide variant.
Coding change: c.436G>A on transcript NM_005105.5 (MANE Select); coding-DNA position 436, G replaced by A.
Protein change: p.Val146Ile; replaces valine 146 with isoleucine.
Molecular consequence: missense variant.
Genome position (GRCh38, 1-based): chr1:145,926,084, C>T on the plus strand (G>A on the coding strand, the complement: RBM8A is on the minus strand). VCF-style: chr1-145926084-C-T. GRCh37 (hg19) VCF-style: chr1-145509009-G-A.
Other names: c.436G>A (NM_005105.3); short protein forms V146I.
Identifiers: ClinVar variation 3614364 (VCV003614364.3).

ClinVar aggregate classification (germline): Uncertain significance. Review status: criteria provided, multiple submitters, no conflicts (2 of 4 stars). 2 submissions from 2 submitters: Uncertain significance (2). Last evaluated 2025-09-28.

Conditions:
Inborn genetic diseases. Identifiers: MedGen C0950123, MeSH D030342.
Radial aplasia-thrombocytopenia syndrome (TAR). Also called: Thrombocytopenia Absent Radius Syndrome; TAR syndrome. Identifiers: Orphanet 3320, MedGen C0175703, MeSH C536940, MONDO:0010121, OMIM 274000.

gnomAD v4.1: 11 of 1,614,106 alleles (0.00068%); highest among the groups gnomAD compares: African/African-American, 0.0027%; no homozygotes.

Submissions (2):

Ambry Genetics
Classification: Uncertain significance for Inborn genetic diseases. Last evaluated: 2025-09-28. Review status: criteria provided, single submitter. Criteria: Ambry Variant Classification Scheme 2023. Collection method: clinical testing. Allele origin: germline.

Labcorp Genetics (formerly Invitae), Labcorp
Classification: Uncertain significance for Radial aplasia-thrombocytopenia syndrome. Last evaluated: 2024-11-05. Review status: criteria provided, single submitter. Criteria: Invitae Variant Classification Sherloc (09022015). Collection method: clinical testing. Allele origin: germline.
Comment: This sequence change replaces valine, which is neutral and non-polar, with isoleucine, which is neutral and non-polar, at codon 146 of the RBM8A protein (p.Val146Ile). This variant is present in population databases (no rsID available, gnomAD 0.004%). This variant has not been reported in the literature in individuals affected with RBM8A-related conditions. An algorithm developed to predict the effect of missense changes on protein structure and function (PolyPhen-2) suggests that this variant is likely to be tolerated. In summary, the available evidence is currently insufficient to determine the role of this variant in disease. Therefore, it has been classified as a Variant of Uncertain Significance.